The following is an entry in ClinVar:

NM_001271.4(CHD2):c.4137+5G>A

Gene: CHD2 (chromodomain helicase DNA binding protein 2; plus strand). Cytogenetic location: 15q26.1.
Variant type: single nucleotide variant.
Coding change: c.4137+5G>A on transcript NM_001271.4 (MANE Select); 5 bases into the intron after coding-DNA position 4137, G replaced by A.
Molecular consequence: intron variant.
Genome position (GRCh38, 1-based): chr15:93,000,645, G>A. VCF-style: chr15-93000645-G-A. GRCh37 (hg19) VCF-style: chr15-93543875-G-A.
Identifiers: ClinVar variation 1014187 (VCV001014187.8), dbSNP rs762703910, ClinGen allele CA7748376.

ClinVar aggregate classification (germline): Uncertain significance. Review status: criteria provided, multiple submitters, no conflicts (2 of 4 stars). 2 submissions from 2 submitters: Uncertain significance (2). Last evaluated 2023-09-22.

Conditions:
Developmental and epileptic encephalopathy 94 (DEE94). Also called: CHD2-Related Neurodevelopmental Disorders; Epileptic encephalopathy, childhood-onset. Identifiers: Orphanet 1942, Orphanet 2382, MedGen C3809278, MONDO:0014150, OMIM 615369.

Allele frequency attached by ClinVar (database versions not stated): ExAC 0.00001; gnomAD 0.00001; gnomAD exomes 0.00001; TOPMed 0.00001.
gnomAD v4.1: 13 of 1,608,216 alleles (0.00081%); highest among the groups gnomAD compares: Non-Finnish European, 0.0011%; no homozygotes.

Submissions (2):

Labcorp Genetics (formerly Invitae), Labcorp
Classification: Uncertain significance for Developmental and epileptic encephalopathy 94. Last evaluated: 2023-09-22. Review status: criteria provided, single submitter. Criteria: Invitae Variant Classification Sherloc (09022015). Collection method: clinical testing. Allele origin: germline.
Comment: This sequence change falls in intron 32 of the CHD2 gene. It does not directly change the encoded amino acid sequence of the CHD2 protein. It affects a nucleotide within the consensus splice site. This variant is present in population databases (rs762703910, gnomAD 0.0009%). This variant has not been reported in the literature in individuals affected with CHD2-related conditions. ClinVar contains an entry for this variant (Variation ID: 1014187). Variants that disrupt the consensus splice site are a relatively common cause of aberrant splicing (PMID: 17576681, 9536098). Algorithms developed to predict the effect of sequence changes on RNA splicing suggest that this variant may disrupt the consensus splice site. In summary, the available evidence is currently insufficient to determine the role of this variant in disease. Therefore, it has been classified as a Variant of Uncertain Significance.

GeneDx
Classification: Uncertain significance. Last evaluated: 2019-05-30. Review status: criteria provided, single submitter. Criteria: GeneDx Variant Classification Process June 2021. Collection method: clinical testing. Allele origin: germline. Affected: yes.
Comment: In silico analysis, which includes splice predictors and evolutionary conservation, supports a deleterious effect; Has not been previously published as pathogenic or benign to our knowledge

Literature cited by the submitters: PubMed 17576681 (cited by Labcorp Genetics (formerly Invitae), Labcorp); PubMed 9536098 (cited by Labcorp Genetics (formerly Invitae), Labcorp).